The following is an entry in ClinVar:

ClinVar aggregate classification (germline): Pathogenic. Review status: criteria provided, multiple submitters, no conflicts (2 of 4 stars). 2 submissions from 2 submitters: Pathogenic (2). Last evaluated 2026-07-06.

Conditions:
Familial thoracic aortic aneurysm and aortic dissection (TAAD). Also called: Thoracic aortic aneurysms and dissections. Identifiers: Orphanet 91387, MedGen C4707243, MONDO:0019625.
Marfan syndrome (MFS). Also called: Marfan syndrome type 1; Marfan's syndrome; MARFAN SYNDROME, TYPE I; FBN1-Related Marfan Syndrome; Marfan syndrome, classic. Identifiers: Orphanet 284963, Orphanet 558, MedGen C0024796, MONDO:0007947, OMIM 154700.

Submissions (2):

Ambry Genetics
Classification: Pathogenic for Familial thoracic aortic aneurysm and aortic dissection. Last evaluated: 2026-07-06. Review status: criteria provided, single submitter. Criteria: Ambry Variant Classification Scheme 2023. Collection method: clinical testing. Allele origin: germline.
Comment: The p.M1? pathogenic mutation (also known as c.1A>T) is located in coding exon 1 of the FBN1 gene and results from a A to T substitution at nucleotide position 1. This alters the methionine residue at the initiation codon (ATG). This variant was reported in individual(s) with features consistent with Marfan syndrome (Rybczynski M, et al. Am J Med Genet A. 2008 Dec 15;146A(24):3157-66; S&ouml;ylen B, et al. Clin Genet. 2009 Mar;75(3):265-70. Epub 2009 Jan 20).This variant is considered to be rare based on population cohorts in the Genome Aggregation Database (gnomAD). This amino acid position is highly conserved in available vertebrate species. In addition to the clinical data presented in the literature, sequence variations that modify the initiation codon are expected to result in either loss of translation initiation, N-terminal truncation, or cause a shift in the mRNA reading frame. Based on the supporting evidence, this variant is interpreted as a disease-causing mutation.

Labcorp Genetics (formerly Invitae), Labcorp
Classification: Pathogenic for Marfan syndrome; Familial thoracic aortic aneurysm and aortic dissection. Last evaluated: 2023-06-27. Review status: criteria provided, single submitter. Criteria: Invitae Variant Classification Sherloc (09022015). Collection method: clinical testing. Allele origin: germline.
Comment: For these reasons, this variant has been classified as Pathogenic. This variant disrupts the p.Cys89Tyr amino acid residue in FBN1. Other variant(s) that disrupt this residue have been determined to be pathogenic (PMID: 19293843, 19720936; Invitae). This suggests that this residue is clinically significant, and that variants that disrupt this residue are likely to be disease-causing. ClinVar contains an entry for this variant (Variation ID: 577426). Disruption of the initiator codon has been observed in individuals with Marfan syndrome (PMID: 19012347; 19159394. 27906200). This variant is not present in population databases (gnomAD no frequency). This sequence change affects the initiator methionine of the FBN1 mRNA. The next in-frame methionine is located at codon 99.

Literature cited by the submitters: PubMed 19012347 (cited by Ambry Genetics and Labcorp Genetics (formerly Invitae), Labcorp); PubMed 19159394 (cited by Ambry Genetics and Labcorp Genetics (formerly Invitae), Labcorp); PubMed 19293843 (cited by Labcorp Genetics (formerly Invitae), Labcorp); PubMed 19720936 (cited by Labcorp Genetics (formerly Invitae), Labcorp); PubMed 27906200 (cited by Labcorp Genetics (formerly Invitae), Labcorp).

NM_000138.5(FBN1):c.1A>T (p.Met1Leu)

Gene: FBN1 (fibrillin 1; minus strand). Cytogenetic location: 15q21.1.
Variant type: single nucleotide variant.
Coding change: c.1A>T on transcript NM_000138.5 (MANE Select); coding-DNA position 1, A replaced by T.
Protein change: p.Met1Leu; changes the start codon (methionine 1).
Molecular consequence: missense variant, initiator codon variant.
Genome position (GRCh38, 1-based): chr15:48,644,769, T>A on the plus strand (A>T on the coding strand, the complement: FBN1 is on the minus strand). VCF-style: chr15-48644769-T-A. GRCh37 (hg19) VCF-style: chr15-48936966-T-A.
Other names: short protein forms M1L.
Identifiers: ClinVar variation 577426 (VCV000577426.11), dbSNP rs730880097, ClinGen allele CA392454063.